The following is an entry in ClinVar:

ClinVar aggregate classification (germline): Conflicting classifications of pathogenicity. Review status: criteria provided, conflicting classifications (1 of 4 stars). 4 submissions from 4 submitters: Uncertain significance (1); Likely benign (3). Last evaluated 2026-01-13.

Conditions:
PLEC-related disorder. Also called: PLEC-related condition; PLEC-related disorders.
Autosomal recessive limb-girdle muscular dystrophy type 2Q (LGMDR17). Also called: MUSCULAR DYSTROPHY, LIMB-GIRDLE, AUTOSOMAL RECESSIVE 17. Identifiers: Orphanet 254361, MedGen C3150989, MONDO:0013390, OMIM 613723.
Epidermolysis bullosa simplex with nail dystrophy (EBS5D). Identifiers: MedGen C4225309, MONDO:0014661, OMIM 616487.
Epidermolysis bullosa simplex 5B, with muscular dystrophy (EBS5B). Also called: Epidermolysis bullosa simplex with muscular dystrophy; EPIDERMOLYSIS BULLOSA SIMPLEX AND LIMB-GIRDLE MUSCULAR DYSTROPHY. Identifiers: Orphanet 257, MedGen C2931072, MONDO:0009181, OMIM 226670.
Epidermolysis bullosa simplex, Ogna type (EBS5A). Also called: EPIDERMOLYSIS BULLOSA SIMPLEX 5A, OGNA TYPE; Pidermolysis bullosa simplex 5A, Ogna type. Identifiers: Orphanet 79401, MedGen C0432317, MONDO:0007555, OMIM 131950.
Epidermolysis bullosa simplex 5C, with pyloric atresia (EBS5C). Also called: PLEC1-Related Epidermolysis Bullosa with Pyloric Atresia; PLEC-Related Epidermolysis Bullosa with Pyloric Atresia; Epidermolysis bullosa simplex with pyloric atresia. Identifiers: Orphanet 158684, MedGen C2677349, MONDO:0012807, OMIM 612138.

Allele frequency attached by ClinVar (database versions not stated): gnomAD 0.00004 and 0.00005; gnomAD exomes 0.00004 and 0.00007; TOPMed 0.00005; ExAC 0.00010.
gnomAD v4.1: 71 of 1,592,926 alleles (0.0045%); highest among the groups gnomAD compares: Admixed American, 0.0034%; no homozygotes.

Submissions (4):

PreventionGenetics, part of Exact Sciences
Classification: Likely benign for PLEC-related condition. Last evaluated: 2026-01-13. Review status: criteria provided, single submitter. Criteria: ACMG Guidelines, 2015. Collection method: clinical testing. Allele origin: germline.
Comment: This variant is classified as likely benign based on ACMG/AMP sequence variant interpretation guidelines (Richards et al. 2015 PMID: 25741868, with internal and published modifications).

Labcorp Genetics (formerly Invitae), Labcorp
Classification: Likely benign for Autosomal recessive limb-girdle muscular dystrophy type 2Q; Epidermolysis bullosa simplex, Ogna type; Epidermolysis bullosa simplex with nail dystrophy; Epidermolysis bullosa simplex 5C, with pyloric atresia; Epidermolysis bullosa simplex 5B, with muscular dystrophy. Last evaluated: 2025-12-06. Review status: criteria provided, single submitter. Criteria: Invitae Variant Classification Sherloc (09022015). Collection method: clinical testing. Allele origin: germline.

GeneDx
Classification: Likely benign. Last evaluated: 2017-06-07. Review status: criteria provided, single submitter. Criteria: GeneDx Variant Classification (06012015). Collection method: clinical testing. Allele origin: germline. Affected: yes.
Comment: This variant is considered likely benign or benign based on one or more of the following criteria: it is a conservative change, it occurs at a poorly conserved position in the protein, it is predicted to be benign by multiple in silico algorithms, and/or has population frequency not consistent with disease.

Eurofins Ntd Llc (ga)
Classification: Uncertain significance. Last evaluated: 2017-04-06. Review status: criteria provided, single submitter. Criteria: EGL Classification Definitions 2015. Collection method: clinical testing. Allele origin: germline. Observed: 3 variant alleles, 3 heterozygotes.

NM_201384.3(PLEC):c.4218G>A (p.Glu1406=)

Gene: PLEC (plectin; minus strand). Cytogenetic location: 8q24.3.
Variant type: single nucleotide variant.
Coding change: c.4218G>A on transcript NM_201384.3 (MANE Select); coding-DNA position 4218, G replaced by A.
Protein change: p.Glu1406=; no amino-acid change (glutamic acid 1406 retained).
Molecular consequence: synonymous variant.
Genome position (GRCh38, 1-based): chr8:143,925,711, C>T on the plus strand (G>A on the coding strand, the complement: PLEC is on the minus strand). VCF-style: chr8-143925711-C-T. GRCh37 (hg19) VCF-style: chr8-144999879-C-T.
Other names: c.4299G>A, p.Glu1433= (NM_000445.5); c.4176G>A, p.Glu1392= (NM_201378.4); c.4152G>A, p.Glu1384= (NM_201379.3); c.4629G>A, p.Glu1543= (NM_201380.4); c.4122G>A, p.Glu1374= (NM_201381.3); c.4218G>A, p.Glu1406= (NM_201382.4); c.4230G>A, p.Glu1410= (NM_201383.3); c.4299G>A (NM_000445.4).
Identifiers: ClinVar variation 167511 (VCV000167511.13), dbSNP rs782584192, ClinGen allele CA234661.